The following is an entry in ClinVar:

ClinVar aggregate classification (germline): Pathogenic (1 of 4 stars; one submission).

Conditions:
Sphingolipid activator protein 1 deficiency. Also called: Saposin B Deficiency; METACHROMATIC LEUKODYSTROPHY DUE TO CEREBROSIDE SULFATASE ACTIVATOR DEFICIENCY; Metachromatic leukodystrophy due to saposin B deficiency. Identifiers: Orphanet 512, MedGen C0268262, MONDO:0009590, OMIM 249900.

Submission:

Labcorp Genetics (formerly Invitae), Labcorp
Classification: Pathogenic for Sphingolipid activator protein 1 deficiency. Last evaluated: 2023-07-08. Review status: criteria provided, single submitter. Criteria: Invitae Variant Classification Sherloc (09022015). Collection method: clinical testing. Allele origin: germline.
Comment: This sequence change creates a premature translational stop signal (p.Phe474Serfs*4) in the PSAP gene. It is expected to result in an absent or disrupted protein product. Loss-of-function variants in PSAP are known to be pathogenic (PMID: 8554069, 11309366, 17616409, 19267410, 30632081). This variant is not present in population databases (gnomAD no frequency). This variant has not been reported in the literature in individuals affected with PSAP-related conditions. For these reasons, this variant has been classified as Pathogenic.

Literature cited by the submitters: PubMed 8554069; PubMed 11309366; PubMed 17616409; PubMed 19267410; PubMed 30632081.

NM_002778.4(PSAP):c.1419del (p.Phe474fs)

Gene: PSAP (prosaposin; minus strand). Cytogenetic location: 10q22.1.
Variant type: Deletion.
Coding change: c.1419del on transcript NM_002778.4 (MANE Select); coding-DNA position 1419, one base deleted (C; older notation c.1419delC).
Protein change: p.Phe474fs; shifts the reading frame from phenylalanine 474.
Molecular consequence: frameshift variant.
Genome position (GRCh38, 1-based): chr10:71,819,043, G deleted on the plus strand (C on the coding strand, the reverse complement: PSAP is on the minus strand); the first of 2 consecutive G bases (chr10:71,819,043-71,819,044); deleting either gives the same sequence. VCF-style (leftmost placement, unchanged base first): chr10-71819042-AG-A. GRCh37 (hg19) VCF-style: chr10-73578799-AG-A.
Other names: c.1428del, p.Phe477fs (NM_001042465.3); c.1425del, p.Phe476fs (NM_001042466.3); short protein forms F474fs, F476fs, F477fs.
Identifiers: ClinVar variation 2800955 (VCV002800955.3), dbSNP rs1436008939, ClinGen allele CA594706368.
Genomic context (GRCh38, chr10:71,819,042, plus strand): 5'-CCCCAGGTTACAGCTGCCCGAGAGGACCACACCACCCAGTGAGGCTCACCAAGCACACGA[AG>A]GAAGGATCCATCACCTCCACCAGGATCTCGATCAGCACGGGCTCGTACTCTGCCACAAAC-3'